The following is an entry in ClinVar:

NM_000965.5(RARB):c.844G>A (p.Gly282Ser)

Gene: RARB (retinoic acid receptor beta; plus strand). Cytogenetic location: 3p24.2.
Variant type: single nucleotide variant.
Coding change: c.844G>A on transcript NM_000965.5 (MANE Select); coding-DNA position 844, G replaced by A.
Protein change: p.Gly282Ser; replaces glycine 282 with serine.
Molecular consequence: missense variant. On other transcripts: intron variant (1), non-coding transcript variant (1).
Genome position (GRCh38, 1-based): chr3:25,593,560, G>A. VCF-style: chr3-25593560-G-A. GRCh37 (hg19) VCF-style: chr3-25635051-G-A.
Other names: c.787-81G>A (NM_001290277.1); c.865G>A, p.Gly289Ser (NM_001290216.3); c.508G>A, p.Gly170Ser (NM_001290217.2, NM_001290276.2, NM_016152.4); c.697G>A, p.Gly233Ser (NM_001290266.2); c.715G>A, p.Gly239Ser (NM_001290300.2); short protein forms G282S, G170S, G233S, G289S, G239S.
Identifiers: ClinVar variation 546932 (VCV000546932.48), dbSNP rs1553637463, ClinGen allele CA351886293.
Genomic context (GRCh38, chr3:25,593,560, plus strand): 5'-CAGATTCTTAGAATTTGCACCAGGTATACCCCAGAACAAGACACCATGACTTTCTCAGAC[G>A]GCCTTACCCTAAATCGAACTCAGATGCACAATGCTGGATTTGGTCCTCTGACTGACCTTG-3'
Protein context (NP_000956.2, residues 272-292): PEQDTMTFSD[Gly282Ser]LTLNRTQMHN

ClinVar aggregate classification (germline): Pathogenic/Likely pathogenic. Review status: criteria provided, multiple submitters, no conflicts (2 of 4 stars). 4 submissions from 4 submitters: Pathogenic (2); Likely pathogenic (2). Last evaluated 2026-01-22.

Conditions:
Microphthalmia, syndromic 12 (MCOPS12). Also called: MICROPHTHALMIA WITH OR WITHOUT PULMONARY HYPOPLASIA, DIAPHRAGMATIC HERNIA, AND/OR CARDIAC DEFECTS. Identifiers: Orphanet 2470, Orphanet 689829, MedGen C3809803, MONDO:0014229, OMIM 615524.

Submissions (4):

Variantyx, Inc.
Classification: Pathogenic for Microphthalmia, syndromic 12. Last evaluated: 2026-01-22. Review status: criteria provided, single submitter. Criteria: Variantyx Assertion Criteria 2022. Collection method: clinical testing. Allele origin: de novo. Inheritance: Autosomal dominant inheritance. Affected: yes.
Comment: This is a nonsynonymous variant in the RARB gene (OMIM: 180220). Pathogenic variants in this gene have been associated with autosomal dominant syndromic microphthalmia 12. Multiple computational algorithms predict a deleterious effect for this variant (REVEL score: 0.895) (PP3). This variant is absent from control populations (PM2). Based on the current evidence, this variant is classified as pathogenic for autosomal dominant syndromic microphthalmia 12.

Dasa
Classification: Likely pathogenic. Last evaluated: 2025-03-14. Review status: criteria provided, single submitter. Criteria: DASA Assertion Criteria. Collection method: clinical testing. Allele origin: germline.
Comment: NM_000965.5(RARB):c.844G>A (p.Gly282Ser) is a missense variant that results in the substitution of glycine with serine. The affected residue or protein region has prior evidence supporting clinical relevance. This variant has been recurrently observed in individuals with RARB-related disorders (PMID: 35937981; PMID: 37092537; PMID: 27120018). This variant has been reported as a de novo occurrence in an affected individual (PMID: 27120018). Functional evidence supports an impact on the gene or gene product. Also, this variant is absent from population databases. Computational evidence supports a deleterious effect. Based on the currently available evidence, this variant is classified as likely pathogenic.

GeneDx
Classification: Pathogenic. Last evaluated: 2025-01-22. Review status: criteria provided, single submitter. Criteria: GeneDx Variant Classification Process June 2021. Collection method: clinical testing. Allele origin: germline.
Comment: Not observed at significant frequency in large population cohorts (gnomAD); In silico analysis supports that this missense variant has a deleterious effect on protein structure/function; Published functional studies demonstrate gain of function (PMID: 37092537); This variant is associated with the following publications: (PMID: 36980880, 35937981, 37092537)

CeGaT Center for Human Genetics Tuebingen
Classification: Likely pathogenic. Last evaluated: 2018-02-01. Review status: criteria provided, single submitter. Criteria: CeGaT Center For Human Genetics Tuebingen Variant Classification Criteria Version 2. Collection method: clinical testing. Allele origin: germline. Affected: yes. Observed: 1 variant allele.

Literature cited by the submitters: PubMed 35937981 (cited by Variantyx, Inc. and Dasa); PubMed 37092537 (cited by Variantyx, Inc. and Dasa); PubMed 27120018 (cited by Dasa).